The following is an entry in ClinVar:

ClinVar aggregate classification (germline): Likely benign. Review status: criteria provided, multiple submitters, no conflicts (2 of 4 stars). 3 submissions from 3 submitters: Likely benign (3). Last evaluated 2022-06-01.

Allele frequency attached by ClinVar (database versions not stated): gnomAD exomes 0.00588 and 0.00630; ExAC 0.00612; 1000 Genomes Project 0.00439; gnomAD 0.00463 and 0.00480; 1000 Genomes Project 30x 0.00468; ESP Exome Variant Server 0.00531; TOPMed 0.00547.

Submissions (3):

CeGaT Center for Human Genetics Tuebingen
Classification: Likely benign. Last evaluated: 2022-06-01. Review status: criteria provided, single submitter. Criteria: CeGaT Center For Human Genetics Tuebingen Variant Classification Criteria Version 2. Collection method: clinical testing. Allele origin: germline. Affected: yes. Observed: 1 variant allele.
Comment: ALOX15: BP4

Labcorp Genetics (formerly Invitae), Labcorp
Classification: Likely benign. Last evaluated: 2018-04-17. Review status: criteria provided, single submitter. Criteria: Invitae Variant Classification Sherloc (09022015). Collection method: clinical testing. Allele origin: germline.

Breakthrough Genomics
Classification: Likely benign. Review status: criteria provided, single submitter. Criteria: ACMG Guidelines, 2015. Collection method: not provided. Allele origin: germline. Inheritance: Unknown mechanism. Affected: yes.

NM_001140.5(ALOX15):c.268G>C (p.Asp90His)

Gene: ALOX15 (arachidonate 15-lipoxygenase; minus strand). Cytogenetic location: 17p13.2.
Variant type: single nucleotide variant.
Coding change: c.268G>C on transcript NM_001140.5 (MANE Select); coding-DNA position 268, G replaced by C.
Protein change: p.Asp90His; replaces aspartic acid 90 with histidine.
Molecular consequence: missense variant.
Genome position (GRCh38, 1-based): chr17:4,639,499, C>G on the plus strand (G>C on the coding strand, the complement: ALOX15 is on the minus strand). VCF-style: chr17-4639499-C-G. GRCh37 (hg19) VCF-style: chr17-4542794-C-G.
Other names: short protein forms D90H.
Identifiers: ClinVar variation 717383 (VCV000717383.28), dbSNP rs11568142, ClinGen allele CA8307268.